The following is an entry in ClinVar:

NM_000238.4(KCNH2):c.308-2278C>T

Gene: KCNH2 (potassium voltage-gated channel subfamily H member 2; minus strand). Cytogenetic location: 7q36.1.
Variant type: single nucleotide variant.
Coding change: c.308-2278C>T on transcript NM_000238.4 (MANE Select); 2278 bases into the intron before coding-DNA position 308, C replaced by T.
Molecular consequence: intron variant.
Genome position (GRCh38, 1-based): chr7:150,962,014, G>A on the plus strand (C>T on the coding strand, the complement: KCNH2 is on the minus strand). VCF-style: chr7-150962014-G-A. GRCh37 (hg19) VCF-style: chr7-150659102-G-A.
Other names: c.308-2278C>T (NM_000238.3, NM_172056.3); c.131-2278C>T (NM_001406755.1); c.8-2278C>T (NM_001406757.1).
Identifiers: ClinVar variation 1676089 (VCV001676089.37), dbSNP rs41313095, ClinGen allele CA169085090.

ClinVar aggregate classification (germline): Benign/Likely benign. Review status: criteria provided, multiple submitters, no conflicts (2 of 4 stars). 3 submissions from 3 submitters: Benign (1); Likely benign (2). Last evaluated 2025-04-09.

Allele frequency attached by ClinVar (database versions not stated): 1000 Genomes Project 30x 0.00187; 1000 Genomes Project 0.00200; TOPMed 0.00519; gnomAD 0.00675 and 0.00690.
gnomAD v4.1: 1,018 of 152,248 alleles (0.67%); highest among the groups gnomAD compares: Non-Finnish European, 0.93%; 6 homozygotes.

Submissions (3):

Molecular Diagnostic Laboratory for Inherited Cardiovascular Disease, Montreal Heart Institute
Classification: Benign. Last evaluated: 2025-04-09. Review status: criteria provided, single submitter. Criteria: ACMG Guidelines, 2015. Collection method: clinical testing. Allele origin: germline. Affected: no.

CeGaT Center for Human Genetics Tuebingen
Classification: Likely benign. Last evaluated: 2024-04-01. Review status: criteria provided, single submitter. Criteria: CeGaT Center For Human Genetics Tuebingen Variant Classification Criteria Version 2. Collection method: clinical testing. Allele origin: germline. Affected: yes. Observed: 14 variant alleles.
Comment: KCNH2: BS1

Breakthrough Genomics
Classification: Likely benign. Review status: criteria provided, single submitter. Criteria: ACMG Guidelines, 2015. Collection method: not provided. Allele origin: germline. Inheritance: Autosomal dominant inheritance. Affected: yes.